The following is an entry in ClinVar:

NM_000135.4(FANCA):c.1210C>T (p.Gln404Ter)

Gene: FANCA (FA complementation group A; minus strand). Cytogenetic location: 16q24.3.
Variant type: single nucleotide variant.
Coding change: c.1210C>T on transcript NM_000135.4 (MANE Select); coding-DNA position 1210, C replaced by T.
Protein change: p.Gln404Ter; replaces glutamine 404 with a stop codon.
Molecular consequence: nonsense.
Genome position (GRCh38, 1-based): chr16:89,791,942, G>A on the plus strand (C>T on the coding strand, the complement: FANCA is on the minus strand). VCF-style: chr16-89791942-G-A. GRCh37 (hg19) VCF-style: chr16-89858350-G-A.
Other names: c.1210C>T, p.Gln404Ter (NM_001286167.3); short protein forms Q404*.
Identifiers: ClinVar variation 2790593 (VCV002790593.4), dbSNP rs2143529644, ClinGen allele CA397465976.

ClinVar aggregate classification (germline): Pathogenic/Likely pathogenic. Review status: criteria provided, multiple submitters, no conflicts (2 of 4 stars). 2 submissions from 2 submitters: Pathogenic (1); Likely pathogenic (1). Last evaluated 2024-01-25.

Conditions:
Fanconi anemia (FA). Also called: Fanconi's anemia. Identifiers: Orphanet 84, MedGen C0015625, MeSH D005199, MONDO:0019391.
Fanconi anemia complementation group A (FANCA). Also called: Fanconi anemia, group A; FANCA-Related Fanconi Anemia. Identifiers: Orphanet 84, MedGen C3469521, MONDO:0009215, OMIM 227650.

Submissions (2):

Fulgent Genetics
Classification: Likely pathogenic for Fanconi anemia complementation group A. Last evaluated: 2024-01-25. Review status: criteria provided, single submitter. Criteria: ACMG Guidelines, 2015. Collection method: clinical testing. Allele origin: germline.

Labcorp Genetics (formerly Invitae), Labcorp
Classification: Pathogenic for Fanconi anemia. Last evaluated: 2024-01-17. Review status: criteria provided, single submitter. Criteria: Invitae Variant Classification Sherloc (09022015). Collection method: clinical testing. Allele origin: germline.
Comment: This sequence change creates a premature translational stop signal (p.Gln404*) in the FANCA gene. It is expected to result in an absent or disrupted protein product. Loss-of-function variants in FANCA are known to be pathogenic (PMID: 19367192). This variant is not present in population databases (gnomAD no frequency). This variant has not been reported in the literature in individuals affected with FANCA-related conditions. For these reasons, this variant has been classified as Pathogenic.

Literature cited by the submitters: PubMed 19367192 (cited by Labcorp Genetics (formerly Invitae), Labcorp).